The following is an entry in ClinVar:

NM_031220.4(PITPNM3):c.689A>G (p.Gln230Arg)

Gene: PITPNM3 (PITPNM family member 3; minus strand). Cytogenetic location: 17p13.2.
Variant type: single nucleotide variant.
Coding change: c.689A>G on transcript NM_031220.4 (MANE Select); coding-DNA position 689, A replaced by G.
Protein change: p.Gln230Arg; replaces glutamine 230 with arginine.
Molecular consequence: missense variant.
Genome position (GRCh38, 1-based): chr17:6,478,635, T>C on the plus strand (A>G on the coding strand, the complement: PITPNM3 is on the minus strand). VCF-style: chr17-6478635-T-C. GRCh37 (hg19) VCF-style: chr17-6381955-T-C.
Other names: c.581A>G, p.Gln194Arg (NM_001165966.2); short protein forms Q194R, Q230R.
Identifiers: ClinVar variation 1718707 (VCV001718707.6), dbSNP rs1387900687, ClinGen allele CA397409199.
Genomic context (GRCh38, chr17:6,478,635, plus strand): 5'-GACTTCAGGAACTCTCTGTAGACCTGGTTGGCTCGCTCGATGACGGTGGCGACAGCATCC[T>C]GGTACTGCGGGGAGGAGATGGCCAACAGGGGAAGGGCGGCCAGAGGGACGTGGTCCTGGC-3'
Protein context (NP_112497.2, residues 220-240): PLLAISSPQY[Gln230Arg]DAVATVIERA

ClinVar aggregate classification (germline): Uncertain significance. Review status: criteria provided, multiple submitters, no conflicts (2 of 4 stars). 2 submissions from 2 submitters: Uncertain significance (2). Last evaluated 2022-09-02.

gnomAD v4.1: 1 of 1,613,996 alleles (0.000062%); highest among the groups gnomAD compares: East Asian, 0.0022%; no homozygotes.

Submissions (2):

Labcorp Genetics (formerly Invitae), Labcorp
Classification: Uncertain significance. Last evaluated: 2022-09-02. Review status: criteria provided, single submitter. Criteria: Invitae Variant Classification Sherloc (09022015). Collection method: clinical testing. Allele origin: germline.
Comment: In summary, the available evidence is currently insufficient to determine the role of this variant in disease. Therefore, it has been classified as a Variant of Uncertain Significance. Algorithms developed to predict the effect of missense changes on protein structure and function are either unavailable or do not agree on the potential impact of this missense change (SIFT: "Tolerated"; PolyPhen-2: "Possibly Damaging"; Align-GVGD: "Class C0"). This variant has not been reported in the literature in individuals affected with PITPNM3-related conditions. This variant is not present in population databases (gnomAD no frequency). This sequence change replaces glutamine, which is neutral and polar, with arginine, which is basic and polar, at codon 230 of the PITPNM3 protein (p.Gln230Arg).

Blueprint Genetics
Classification: Uncertain significance. Last evaluated: 2019-06-11. Review status: criteria provided, single submitter. Criteria: ACMG Guidelines, 2015. Collection method: clinical testing. Allele origin: germline.